The following is an entry in ClinVar:

ClinVar aggregate classification (germline): Likely benign. Review status: criteria provided, multiple submitters, no conflicts (2 of 4 stars). 2 submissions from 2 submitters: Likely benign (2). Last evaluated 2025-05-15.

Conditions:
Hypertrophic cardiomyopathy 2. Also called: TNNT2-Related Familial Hypertrophic Cardiomyopathy. Identifiers: MedGen C1861864, MONDO:0007266, OMIM 115195.
Dilated cardiomyopathy 1D. Identifiers: Orphanet 154, Orphanet 54260, MedGen C1832243, MONDO:0011095, OMIM 601494.
Cardiomyopathy, familial restrictive, 3. Identifiers: Orphanet 75249, MedGen C2676271, MONDO:0012900, OMIM 612422.

Allele frequency attached by ClinVar (database versions not stated): gnomAD exomes below 0.00001; ExAC 0.00001; gnomAD 0.00001.
gnomAD v4.1: 5 of 1,614,116 alleles (0.00031%); highest among the groups gnomAD compares: South Asian, 0.0044%; no homozygotes.

Submissions (2):

Labcorp Genetics (formerly Invitae), Labcorp
Classification: Likely benign for Cardiomyopathy, familial restrictive, 3; Hypertrophic cardiomyopathy 2; Dilated cardiomyopathy 1D. Last evaluated: 2025-05-15. Review status: criteria provided, single submitter. Criteria: Invitae Variant Classification Sherloc (09022015). Collection method: clinical testing. Allele origin: germline.

GeneDx
Classification: Likely benign. Last evaluated: 2017-12-29. Review status: criteria provided, single submitter. Criteria: GeneDx Variant Classification (06012015). Collection method: clinical testing. Allele origin: germline. Affected: yes.
Comment: This variant is considered likely benign or benign based on one or more of the following criteria: it is a conservative change, it occurs at a poorly conserved position in the protein, it is predicted to be benign by multiple in silico algorithms, and/or has population frequency not consistent with disease.

NM_001276345.2(TNNT2):c.643C>A (p.Arg215=)

Gene: TNNT2 (troponin T2, cardiac type; minus strand). Cytogenetic location: 1q32.1.
Variant type: single nucleotide variant.
Coding change: c.643C>A on transcript NM_001276345.2 (MANE Select); coding-DNA position 643, C replaced by A.
Protein change: p.Arg215=; no amino-acid change (arginine 215 retained).
Molecular consequence: synonymous variant.
Genome position (GRCh38, 1-based): chr1:201,361,989, G>T on the plus strand (C>A on the coding strand, the complement: TNNT2 is on the minus strand). VCF-style: chr1-201361989-G-T. GRCh37 (hg19) VCF-style: chr1-201331117-G-T.
Other names: c.634C>A, p.Arg212= (NM_000364.4); c.613C>A, p.Arg205= (NM_001001430.3, NM_001276347.2); c.604C>A, p.Arg202= (NM_001001431.3); c.595C>A, p.Arg199= (NM_001001432.3); c.514C>A, p.Arg172= (NM_001276346.2).
Identifiers: ClinVar variation 514326 (VCV000514326.2), dbSNP rs45586240, ClinGen allele CA089098.